The following is an entry in ClinVar:

ClinVar aggregate classification (germline): Uncertain significance (1 of 4 stars; one submission).

Submission:

GeneDx
Classification: Uncertain significance. Last evaluated: 2024-07-09. Review status: criteria provided, single submitter. Criteria: GeneDx Variant Classification Process June 2021. Collection method: clinical testing. Allele origin: germline. Affected: yes.
Comment: Not observed at significant frequency in large population cohorts (gnomAD); In silico analysis supports that this missense variant has a deleterious effect on protein structure/function; Has not been previously published as pathogenic or benign to our knowledge

NM_001470.4(GABBR1):c.1658A>C (p.Tyr553Ser)

Gene: GABBR1 (gamma-aminobutyric acid type B receptor subunit 1; minus strand). Cytogenetic location: 6p22.1.
Variant type: single nucleotide variant.
Coding change: c.1658A>C on transcript NM_001470.4 (MANE Select); coding-DNA position 1658, A replaced by C.
Protein change: p.Tyr553Ser; replaces tyrosine 553 with serine.
Molecular consequence: missense variant.
Genome position (GRCh38, 1-based): chr6:29,610,974, T>G on the plus strand (A>C on the coding strand, the complement: GABBR1 is on the minus strand). VCF-style: chr6-29610974-T-G. GRCh37 (hg19) VCF-style: chr6-29578751-T-G.
Other names: c.1127A>C, p.Tyr376Ser (NM_001319053.2); c.1307A>C, p.Tyr436Ser (NM_021903.3); c.1472A>C, p.Tyr491Ser (NM_021904.4); short protein forms Y376S, Y436S, Y553S, Y491S.
Identifiers: ClinVar variation 3572784 (VCV003572784.1).
Genomic context (GRCh38, chr6:29,610,974, plus strand): 5'-ATCCACTCACCAATCCATTTATCTGTTTTGGACCAGGAAAGATCATCCTTGGTGCTGTCA[T>G]AGTAGCCAATCTTCTTGTAGCTGCCACCTGGGCAGACGACAATAAAAGGAGTGACCACAG-3'
Protein context (NP_001461.1, residues 543-563): QGGSYKKIGY[Tyr553Ser]DSTKDDLSWS